The following is an entry in ClinVar:

ClinVar aggregate classification (germline): Uncertain significance (1 of 4 stars; one submission).

Conditions:
KBG syndrome (KBGS). Also called: ANKRD11-Related KBG Syndrome. Identifiers: Orphanet 2332, MedGen C0220687, MONDO:0007846, OMIM 148050.

Allele frequency attached by ClinVar (database versions not stated): TOPMed below 0.00001.

Submission:

Labcorp Genetics (formerly Invitae), Labcorp
Classification: Uncertain significance for KBG syndrome. Last evaluated: 2024-01-08. Review status: criteria provided, single submitter. Criteria: Invitae Variant Classification Sherloc (09022015). Collection method: clinical testing. Allele origin: germline.
Comment: This sequence change replaces asparagine, which is neutral and polar, with aspartic acid, which is acidic and polar, at codon 1666 of the ANKRD11 protein (p.Asn1666Asp). This variant is not present in population databases (gnomAD no frequency). This variant has not been reported in the literature in individuals affected with ANKRD11-related conditions. ClinVar contains an entry for this variant (Variation ID: 2199115). Advanced modeling of protein sequence and biophysical properties (such as structural, functional, and spatial information, amino acid conservation, physicochemical variation, residue mobility, and thermodynamic stability) performed at Invitae indicates that this missense variant is not expected to disrupt ANKRD11 protein function with a negative predictive value of 95%. In summary, the available evidence is currently insufficient to determine the role of this variant in disease. Therefore, it has been classified as a Variant of Uncertain Significance.

NM_013275.6(ANKRD11):c.4996A>G (p.Asn1666Asp)

Gene: ANKRD11 (ankyrin repeat domain 11; minus strand). Cytogenetic location: 16q24.3.
Variant type: single nucleotide variant.
Coding change: c.4996A>G on transcript NM_013275.6 (MANE Select); coding-DNA position 4996, A replaced by G.
Protein change: p.Asn1666Asp; replaces asparagine 1666 with aspartic acid.
Molecular consequence: missense variant.
Genome position (GRCh38, 1-based): chr16:89,281,546, T>C on the plus strand (A>G on the coding strand, the complement: ANKRD11 is on the minus strand). VCF-style: chr16-89281546-T-C. GRCh37 (hg19) VCF-style: chr16-89347954-T-C.
Other names: c.4996A>G, p.Asn1666Asp (NM_001256182.2, NM_001256183.2); short protein forms N1666D.
Identifiers: ClinVar variation 2199115 (VCV002199115.4), dbSNP rs1384991416, ClinGen allele CA397156072.